The following is an entry in ClinVar:

NM_019066.5(MAGEL2):c.758C>A (p.Ala253Asp)

Gene: MAGEL2 (MAGE family member L2; minus strand). Cytogenetic location: 15q11.2.
Variant type: single nucleotide variant.
Coding change: c.758C>A on transcript NM_019066.5 (MANE Select); coding-DNA position 758, C replaced by A.
Protein change: p.Ala253Asp; replaces alanine 253 with aspartic acid.
Molecular consequence: missense variant.
Genome position (GRCh38, 1-based): chr15:23,646,985, G>T on the plus strand (C>A on the coding strand, the complement: MAGEL2 is on the minus strand). VCF-style: chr15-23646985-G-T. GRCh37 (hg19) VCF-style: chr15-23892132-G-T.
Other names: short protein forms A253D.
Identifiers: ClinVar variation 3358709 (VCV003358709.2).
Genomic context (GRCh38, chr15:23,646,985, plus strand): 5'-GGCTGAGGCTGGGTCATCATGGCTGCTGGAGGCGGCTGGACCATCGGTGCTCCCGGAGCA[G>T]CAGGCTGGACCATCAGGACTCCCGGAGTCAGAGGCTGGGCCATCAGGACTCCCGGAGCTG-3'
Protein context (NP_061939.3, residues 243-263): LTPGVLMVQP[Ala253Asp]APGAPMVQPP

ClinVar aggregate classification (germline): Uncertain significance. Review status: criteria provided, single submitter (1 of 4 stars). 2 submissions from 2 submitters: Uncertain significance (1). 1 of the submissions does not count toward it. Last evaluated 2024-12-23.

Conditions:
Inborn genetic diseases. Identifiers: MedGen C0950123, MeSH D030342.
MAGEL2-related disorder. Also called: MAGEL2-related condition.

gnomAD v4.1: 4 of 1,536,902 alleles (0.00026%); highest among the groups gnomAD compares: Non-Finnish European, 0.00026%; no homozygotes.

Submissions (2):

Ambry Genetics
Classification: Uncertain significance for Inborn genetic diseases. Last evaluated: 2024-12-23. Review status: criteria provided, single submitter. Criteria: Ambry Variant Classification Scheme 2023. Collection method: clinical testing. Allele origin: germline.

PreventionGenetics, part of Exact Sciences
Classification: Uncertain significance for MAGEL2-related condition. Last evaluated: 2024-08-06. Review status: no assertion criteria provided. Collection method: clinical testing. Allele origin: germline. Not counted in ClinVar's aggregate classification.
Comment: The MAGEL2 c.758C>A variant is predicted to result in the amino acid substitution p.Ala253Asp. To our knowledge, this variant has not been reported in the literature. This variant is reported in 0.0039% of alleles in individuals of Latino descent in gnomAD. At this time, the clinical significance of this variant is uncertain due to the absence of conclusive functional and genetic evidence.